The following is an entry in ClinVar:

NM_004360.5(CDH1):c.2648A>T (p.Ter883Leu)

Gene: CDH1 (cadherin 1; plus strand). Cytogenetic location: 16q22.1.
Variant type: single nucleotide variant.
Coding change: c.2648A>T on transcript NM_004360.5 (MANE Select); coding-DNA position 2648, A replaced by T.
Protein change: p.Ter883Leu.
Molecular consequence: stop lost.
Genome position (GRCh38, 1-based): chr16:68,833,498, A>T. VCF-style: chr16-68833498-A-T. GRCh37 (hg19) VCF-style: chr16-68867401-A-T.
Other names: *883L; *367L; *228L; c.2465A>T, p.Ter822Leu (NM_001317184.2); c.1100A>T, p.Ter367Leu (NM_001317185.2); c.683A>T, p.Ter228Leu (NM_001317186.2); c.2648A>T (LRG_301t1).
Identifiers: ClinVar variation 389674 (VCV000389674.3), dbSNP rs1057523505, ClinGen allele CA16608252.

ClinVar aggregate classification (germline): Uncertain significance (1 of 4 stars; one submission).

Submission:

GeneDx
Classification: Uncertain significance. Last evaluated: 2026-08-03. Review status: criteria provided, single submitter. Criteria: GeneDx Variant Classification Process June 2021. Collection method: clinical testing. Allele origin: germline.
Comment: Not observed at significant frequency in large population cohorts (gnomAD); Stop codon loss and change to a leucine codon, leading to protein extension and the addition of 29 amino acids at the C-terminus; This variant is associated with the following publications: (PMID: 35982159, 33057194)